The following is an entry in ClinVar:

NM_006231.4(POLE):c.1172A>T (p.Lys391Met)

Gene: POLE (DNA polymerase epsilon, catalytic subunit; minus strand). Cytogenetic location: 12q24.33.
Variant type: single nucleotide variant.
Coding change: c.1172A>T on transcript NM_006231.4 (MANE Select); coding-DNA position 1172, A replaced by T.
Protein change: p.Lys391Met; replaces lysine 391 with methionine.
Molecular consequence: missense variant.
Genome position (GRCh38, 1-based): chr12:132,675,452, T>A on the plus strand (A>T on the coding strand, the complement: POLE is on the minus strand). VCF-style: chr12-132675452-T-A. GRCh37 (hg19) VCF-style: chr12-133252038-T-A.
Other names: short protein forms K391M.
Identifiers: ClinVar variation 947161 (VCV000947161.9), dbSNP rs2043025085, ClinGen allele CA387360891.

ClinVar aggregate classification (germline): Uncertain significance (1 of 4 stars; one submission).

Submission:

Labcorp Genetics (formerly Invitae), Labcorp
Classification: Uncertain significance. Last evaluated: 2019-06-06. Review status: criteria provided, single submitter. Criteria: Invitae Variant Classification Sherloc (09022015). Collection method: clinical testing. Allele origin: germline.
Comment: This variant has not been reported in the literature in individuals with POLE-related conditions. This sequence change replaces lysine with methionine at codon 391 of the POLE protein (p.Lys391Met). The lysine residue is highly conserved and there is a moderate physicochemical difference between lysine and methionine. This variant is not present in population databases (ExAC no frequency). Algorithms developed to predict the effect of missense changes on protein structure and function are either unavailable or do not agree on the potential impact of this missense change (SIFT: "Deleterious"; PolyPhen-2: "Probably Damaging"; Align-GVGD: "Class C0"). In summary, the available evidence is currently insufficient to determine the role of this variant in disease. Therefore, it has been classified as a Variant of Uncertain Significance.